The following is an entry in ClinVar:

ClinVar aggregate classification (germline): Pathogenic (1 of 4 stars; one submission).

Conditions:
Marfan syndrome (MFS). Also called: MARFAN SYNDROME, TYPE I; Marfan syndrome type 1; Marfan's syndrome; Marfan syndrome, classic; FBN1-Related Marfan Syndrome. Identifiers: Orphanet 284963, Orphanet 558, MedGen C0024796, MONDO:0007947, OMIM 154700.
Familial thoracic aortic aneurysm and aortic dissection (TAAD). Also called: Thoracic aortic aneurysms and dissections. Identifiers: Orphanet 91387, MedGen C4707243, MONDO:0019625.

Submission:

Labcorp Genetics (formerly Invitae), Labcorp
Classification: Pathogenic for Marfan syndrome; Familial thoracic aortic aneurysm and aortic dissection. Last evaluated: 2024-04-25. Review status: criteria provided, single submitter. Criteria: Invitae Variant Classification Sherloc (09022015). Collection method: clinical testing. Allele origin: germline.
Comment: This sequence change creates a premature translational stop signal (p.Thr354Hisfs*9) in the FBN1 gene. It is expected to result in an absent or disrupted protein product. Loss-of-function variants in FBN1 are known to be pathogenic (PMID: 17657824, 19293843). This variant is not present in population databases (gnomAD no frequency). This variant has not been reported in the literature in individuals affected with FBN1-related conditions. For these reasons, this variant has been classified as Pathogenic.

Literature cited by the submitters: PubMed 17657824; PubMed 19293843.

NM_000138.5(FBN1):c.1055_1058dup (p.Thr354fs)

Genes: FBN1 (fibrillin 1; minus strand), LOC113939944 (Sharpr-MPRA regulatory region 9539; plus strand). Cytogenetic location: 15q21.1.
Variant type: Duplication.
Coding change: c.1055_1058dup on transcript NM_000138.5 (MANE Select); coding-DNA positions 1055 to 1058, 4 bases duplicated (CCAT; older notation c.1055_1058dupCCAT).
Protein change: p.Thr354fs; shifts the reading frame from threonine 354.
Molecular consequence: frameshift variant.
Genome position (GRCh38, 1-based): chr15:48,520,748-48,520,751, ATGG duplicated on the plus strand (CCAT on the coding strand, the reverse complement: FBN1 is on the minus strand); duplicating any 4 consecutive bases within chr15:48,520,748-48,520,752 gives the same sequence; the c. name uses the placement nearest the transcript's 3' end. VCF-style (leftmost placement, unchanged base first): chr15-48520747-T-TATGG. GRCh37 (hg19) VCF-style: chr15-48812944-T-TATGG.
Other names: c.1055_1058dup, p.Thr354fs (NM_001406716.1); short protein forms T354fs.
Identifiers: ClinVar variation 3756042 (VCV003756042.2).